The following is an entry in ClinVar:

ClinVar aggregate classification (germline): Uncertain significance. Review status: criteria provided, multiple submitters, no conflicts (2 of 4 stars). 2 submissions from 2 submitters: Uncertain significance (2). Last evaluated 2022-06-09.

Conditions:
Ehlers-Danlos syndrome, kyphoscoliotic type 1 (EDSKSCL1). Also called: Ehlers-Danlos syndrome, hydroxylysine-deficient; EHLERS-DANLOS SYNDROME, TYPE VIA; EHLERS-DANLOS SYNDROME, OCULAR-SCOLIOTIC TYPE; PLOD1-Related Kyphoscoliotic Ehlers-Danlos Syndrome. Identifiers: Orphanet 1900, MedGen C0268342, MONDO:0016002, OMIM 225400. Disease mechanism: loss of function.

Allele frequency attached by ClinVar (database versions not stated): gnomAD exomes 0.00001; TOPMed 0.00001.
gnomAD v4.1: 16 of 1,538,530 alleles (0.001%); highest among the groups gnomAD compares: Middle Eastern, 0.035%; 1 homozygote.

Submissions (2):

Labcorp Genetics (formerly Invitae), Labcorp
Classification: Uncertain significance for Ehlers-Danlos syndrome, kyphoscoliotic type 1. Last evaluated: 2022-06-09. Review status: criteria provided, single submitter. Criteria: Invitae Variant Classification Sherloc (09022015). Collection method: clinical testing. Allele origin: germline.
Comment: This sequence change replaces proline, which is neutral and non-polar, with arginine, which is basic and polar, at codon 24 of the PLOD1 protein (p.Pro24Arg). This variant is present in population databases (no rsID available, gnomAD no frequency). This variant has not been reported in the literature in individuals affected with PLOD1-related conditions. ClinVar contains an entry for this variant (Variation ID: 930584). Algorithms developed to predict the effect of missense changes on protein structure and function (SIFT, PolyPhen-2, Align-GVGD) all suggest that this variant is likely to be tolerated. In summary, the available evidence is currently insufficient to determine the role of this variant in disease. Therefore, it has been classified as a Variant of Uncertain Significance.

Centre for Mendelian Genomics, University Medical Centre Ljubljana
Classification: Uncertain significance for Ehlers-Danlos syndrome, kyphoscoliotic type 1. Last evaluated: 2019-08-20. Review status: criteria provided, single submitter. Criteria: ACMG Guidelines, 2015. Collection method: clinical testing. Allele origin: unknown. Affected: yes.
Comment: This variant was classified as: Uncertain significance. The available evidence on this variant's pathogenicity is insufficient or conflicting. The following ACMG criteria were applied in classifying this variant: PM2.

NM_000302.4(PLOD1):c.71C>G (p.Pro24Arg)

Gene: PLOD1 (procollagen-lysine,2-oxoglutarate 5-dioxygenase 1; plus strand). Cytogenetic location: 1p36.22.
Variant type: single nucleotide variant.
Coding change: c.71C>G on transcript NM_000302.4 (MANE Select); coding-DNA position 71, C replaced by G.
Protein change: p.Pro24Arg; replaces proline 24 with arginine.
Molecular consequence: missense variant.
Genome position (GRCh38, 1-based): chr1:11,934,850, C>G. VCF-style: chr1-11934850-C-G. GRCh37 (hg19) VCF-style: chr1-11994907-C-G.
Other names: c.71C>G, p.Pro24Arg (NM_001316320.2); short protein forms P24R.
Identifiers: ClinVar variation 930584 (VCV000930584.8), dbSNP rs1438879558, ClinGen allele CA338422868.